The following is an entry in ClinVar:

ClinVar aggregate classification (germline): Uncertain significance (1 of 4 stars; one submission).

Conditions:
Brugada syndrome. Also called: Sudden unexplained nocturnal death syndrome; Sudden unexpected nocturnal death syndrome; Sudden Unexplained Death Syndrome; Sudden Unexplained Nocturnal Death Syndrome (SUNDS). Identifiers: Orphanet 130, MedGen C1142166, MONDO:0015263.

Submission:

Labcorp Genetics (formerly Invitae), Labcorp
Classification: Uncertain significance for Brugada syndrome. Last evaluated: 2025-01-12. Review status: criteria provided, single submitter. Criteria: Invitae Variant Classification Sherloc (09022015). Collection method: clinical testing. Allele origin: germline.
Comment: This sequence change replaces asparagine, which is neutral and polar, with serine, which is neutral and polar, at codon 857 of the CACNA2D1 protein (p.Asn857Ser). This variant is not present in population databases (gnomAD no frequency). This variant has not been reported in the literature in individuals affected with CACNA2D1-related conditions. An algorithm developed to predict the effect of missense changes on protein structure and function (PolyPhen-2) suggests that this variant is likely to be tolerated. In summary, the available evidence is currently insufficient to determine the role of this variant in disease. Therefore, it has been classified as a Variant of Uncertain Significance.

NM_000722.4(CACNA2D1):c.2570A>G (p.Asn857Ser)

Gene: CACNA2D1 (calcium voltage-gated channel auxiliary subunit alpha2delta 1; minus strand). Cytogenetic location: 7q21.11.
Variant type: single nucleotide variant.
Coding change: c.2570A>G on transcript NM_000722.4 (MANE Select); coding-DNA position 2570, A replaced by G.
Protein change: p.Asn857Ser; replaces asparagine 857 with serine.
Molecular consequence: missense variant.
Genome position (GRCh38, 1-based): chr7:81,965,598, T>C on the plus strand (A>G on the coding strand, the complement: CACNA2D1 is on the minus strand). VCF-style: chr7-81965598-T-C. GRCh37 (hg19) VCF-style: chr7-81594914-T-C.
Other names: c.2606A>G, p.Asn869Ser (NM_001366867.1); short protein forms N857S, N869S.
Identifiers: ClinVar variation 3685431 (VCV003685431.2).